The following is an entry in ClinVar:

ClinVar aggregate classification (germline): Uncertain significance (1 of 4 stars; one submission).

Conditions:
Familial temporal lobe epilepsy 8. Identifiers: Orphanet 101046, MedGen C4225318, MONDO:0014650, OMIM 616461.

gnomAD v4.1: 3 of 1,613,618 alleles (0.00019%); highest among the groups gnomAD compares: Non-Finnish European, 0.00025%; no homozygotes.

Submission:

Laboratorio de Genetica e Diagnostico Molecular, Hospital Israelita Albert Einstein
Classification: Uncertain significance for Familial temporal lobe epilepsy 8. Last evaluated: 2025-11-14. Review status: criteria provided, single submitter. Criteria: ACMG Guidelines, 2015. Collection method: clinical testing. Allele origin: germline. Affected: yes.
Comment: ACMG classification criteria: PM2 supporting, BP4 supporting

NM_015973.5(GAL):c.104C>G (p.Thr35Ser)

Gene: GAL (galanin and GMAP prepropeptide; plus strand). Cytogenetic location: 11q13.2.
Variant type: single nucleotide variant.
Coding change: c.104C>G on transcript NM_015973.5 (MANE Select); coding-DNA position 104, C replaced by G.
Protein change: p.Thr35Ser; replaces threonine 35 with serine.
Molecular consequence: missense variant.
Genome position (GRCh38, 1-based): chr11:68,685,616, C>G. VCF-style: chr11-68685616-C-G. GRCh37 (hg19) VCF-style: chr11-68453084-C-G.
Other names: short protein forms T35S.
Identifiers: ClinVar variation 4846799 (VCV004846799.1).